The following is an entry in ClinVar:

NM_001323289.2(CDKL5):c.1188T>A (p.Asp396Glu)

Gene: CDKL5 (cyclin dependent kinase like 5; plus strand). Cytogenetic location: Xp22.13.
Variant type: single nucleotide variant.
Coding change: c.1188T>A on transcript NM_001323289.2 (MANE Select); coding-DNA position 1188, T replaced by A.
Protein change: p.Asp396Glu; replaces aspartic acid 396 with glutamic acid.
Molecular consequence: missense variant.
Genome position (GRCh38, 1-based): chrX:18,604,112, T>A. VCF-style: chrX-18604112-T-A. GRCh37 (hg19) VCF-style: chrX-18622232-T-A.
Other names: c.1188T>A, p.Asp396Glu (NM_001037343.2, NM_003159.3); short protein forms D396E.
Identifiers: ClinVar variation 2130676 (VCV002130676.4), dbSNP rs772076629, ClinGen allele CA10360362.
Genomic context (GRCh38, chrX:18,604,112, plus strand): 5'-TAGTCCACTGCACACCAAAACCTACCAAGCAAGCAGCCAGCCTGGGTCTACCAGCAAAGA[T>A]CTCACCAACAACAACATACCACACCTTCTTAGCCCAAAAGAAGCCAAGTCAAAAACAGAG-3'
Protein context (NP_001310218.1, residues 386-406): ASSQPGSTSK[Asp396Glu]LTNNNIPHLL

ClinVar aggregate classification (germline): Uncertain significance (1 of 4 stars; one submission).

Conditions:
Developmental and epileptic encephalopathy, 2 (DEE2). Also called: INFANTILE SPASM SYNDROME, X-LINKED 2; CDKL5 deficiency disorder. Identifiers: Orphanet 1934, Orphanet 3451, Orphanet 505652, MedGen C4750718, MONDO:0010396, OMIM 300672.
Angelman syndrome-like. Identifiers: MedGen CN128785.

Allele frequency attached by ClinVar (database versions not stated): gnomAD exomes below 0.00001; ExAC 0.00001.
gnomAD v4.1: 5 of 1,211,323 alleles (0.00041%); highest among the groups gnomAD compares: Non-Finnish European, 0.00056%; no homozygotes.

Submission:

Labcorp Genetics (formerly Invitae), Labcorp
Classification: Uncertain significance for Developmental and epileptic encephalopathy, 2; Angelman syndrome-like. Last evaluated: 2022-05-17. Review status: criteria provided, single submitter. Criteria: Invitae Variant Classification Sherloc (09022015). Collection method: clinical testing. Allele origin: germline.
Comment: In summary, the available evidence is currently insufficient to determine the role of this variant in disease. Therefore, it has been classified as a Variant of Uncertain Significance. Advanced modeling of protein sequence and biophysical properties (such as structural, functional, and spatial information, amino acid conservation, physicochemical variation, residue mobility, and thermodynamic stability) performed at Invitae indicates that this missense variant is not expected to disrupt CDKL5 protein function. This missense change has been observed in individual(s) with clinical features of CDKL5-related conditions (PMID: 29264392). This variant is present in population databases (rs772076629, gnomAD 0.001%). This sequence change replaces aspartic acid, which is acidic and polar, with glutamic acid, which is acidic and polar, at codon 396 of the CDKL5 protein (p.Asp396Glu).

Literature cited by the submitters: PubMed 29264392.